The following is an entry in ClinVar:

ClinVar aggregate classification (germline): Uncertain significance. Review status: criteria provided, multiple submitters, no conflicts (2 of 4 stars). 3 submissions from 3 submitters: Uncertain significance (3). Last evaluated 2024-10-11.

Conditions:
Hereditary nonpolyposis colorectal neoplasms. Identifiers: MedGen C0009405, MeSH D003123.
Endometrial carcinoma. Also called: Endometrial carcinoma, somatic. Identifiers: MedGen C0476089, MONDO:0002447, OMIM 608089, HP:0012114.
Hereditary cancer-predisposing syndrome. Also called: Neoplastic Syndromes, Hereditary; Tumor predisposition; Hereditary Cancer Syndrome; Hereditary neoplastic syndrome. Identifiers: Orphanet 140162, MedGen C0027672, MeSH D009386, MONDO:0015356.

Submissions (3):

Ambry Genetics
Classification: Uncertain significance for Hereditary cancer-predisposing syndrome. Last evaluated: 2024-10-11. Review status: criteria provided, single submitter. Criteria: Ambry Variant Classification Scheme 2023. Collection method: clinical testing. Allele origin: germline.
Comment: The p.V1312L variant (also known as c.3934G>C), located in coding exon 9 of the MSH6 gene, results from a G to C substitution at nucleotide position 3934. The valine at codon 1312 is replaced by leucine, an amino acid with highly similar properties. This amino acid position is conserved. In addition, the in silico prediction for this alteration is inconclusive. Based on the available evidence, the clinical significance of this variant remains unclear.

Baylor Genetics
Classification: Uncertain significance for Endometrial carcinoma. Last evaluated: 2024-03-01. Review status: criteria provided, single submitter. Criteria: ACMG Guidelines, 2015. Collection method: clinical testing. Allele origin: unknown.

Labcorp Genetics (formerly Invitae), Labcorp
Classification: Uncertain significance for Hereditary nonpolyposis colorectal neoplasms. Last evaluated: 2022-12-16. Review status: criteria provided, single submitter. Criteria: Invitae Variant Classification Sherloc (09022015). Collection method: clinical testing. Allele origin: germline.
Comment: In summary, the available evidence is currently insufficient to determine the role of this variant in disease. Therefore, it has been classified as a Variant of Uncertain Significance. Advanced modeling of protein sequence and biophysical properties (such as structural, functional, and spatial information, amino acid conservation, physicochemical variation, residue mobility, and thermodynamic stability) performed at Invitae indicates that this missense variant is not expected to disrupt MSH6 protein function. ClinVar contains an entry for this variant (Variation ID: 525677). This variant has not been reported in the literature in individuals affected with MSH6-related conditions. This variant is not present in population databases (gnomAD no frequency). This sequence change replaces valine, which is neutral and non-polar, with leucine, which is neutral and non-polar, at codon 1312 of the MSH6 protein (p.Val1312Leu).

NM_000179.3(MSH6):c.3934G>C (p.Val1312Leu)

Gene: MSH6 (mutS homolog 6; plus strand). Cytogenetic location: 2p16.3.
Variant type: single nucleotide variant.
Coding change: c.3934G>C on transcript NM_000179.3 (MANE Select); coding-DNA position 3934, G replaced by C.
Protein change: p.Val1312Leu; replaces valine 1312 with leucine.
Molecular consequence: missense variant.
Genome position (GRCh38, 1-based): chr2:47,806,584, G>C. VCF-style: chr2-47806584-G-C. GRCh37 (hg19) VCF-style: chr2-48033723-G-C.
Other names: c.3544G>C, p.Val1182Leu (NM_001281492.2); c.3028G>C, p.Val1010Leu (NM_001281493.2, NM_001281494.2); short protein forms V1312L, V1010L, V1182L.
Identifiers: ClinVar variation 525677 (VCV000525677.11), dbSNP rs1553333634, ClinGen allele CA346761488.
Genomic context (GRCh38, chr2:47,806,584, plus strand): 5'-GGAGCTTGTCCTAAAAGCTATGGCTTTAATGCAGCAAGGCTTGCTAATCTCCCAGAGGAA[G>C]TTATTCAAAAGGGACATAGAAAAGCAAGAGAATTTGAGAAGATGAATCAGTCACTACGAT-3'
Protein context (NP_000170.1, residues 1302-1322): AARLANLPEE[Val1312Leu]IQKGHRKARE